The following is an entry in ClinVar:

NM_000059.4(BRCA2):c.1584_1585insA (p.Phe529fs)

Gene: BRCA2 (BRCA2 DNA repair associated; plus strand). Cytogenetic location: 13q13.1.
Variant type: Insertion.
Coding change: c.1584_1585insA on transcript NM_000059.4 (MANE Select); coding-DNA positions 1584 to 1585, A inserted.
Protein change: p.Phe529fs; shifts the reading frame from phenylalanine 529.
Molecular consequence: frameshift variant.
Genome position: GRCh38 VCF-style: chr13-32333062-C-CA. GRCh37 (hg19) VCF-style: chr13-32907199-C-CA.
Other names: short protein forms F529fs.
Identifiers: ClinVar variation 548345 (VCV000548345.1), dbSNP rs1555281966, ClinGen allele CA658823568.

ClinVar aggregate classification (germline): Pathogenic (3 of 4 stars; one submission).

Conditions:
Breast-ovarian cancer, familial, susceptibility to, 2 (BROVCA2). Also called: BRCA2 Hereditary Breast and Ovarian Cancer. Identifiers: Orphanet 145, MedGen C2675520, MONDO:0012933, OMIM 612555. Disease mechanism: loss of function.

Submission:

Evidence-based Network for the Interpretation of Germline Mutant Alleles (ENIGMA)
Classification: Pathogenic for Breast-ovarian cancer, familial, susceptibility to, 2. Last evaluated: 2017-12-15. Review status: reviewed by expert panel. Criteria: ENIGMA BRCA1/2 Classification Criteria (2017-06-29). Collection method: curation. Allele origin: germline. Study: ENIGMA.
Comment: Variant allele predicted to encode a truncated non-functional protein.